The following is an entry in ClinVar:

NM_015102.5(NPHP4):c.1822G>A (p.Glu608Lys)

Gene: NPHP4 (nephrocystin 4; minus strand). Cytogenetic location: 1p36.31.
Variant type: single nucleotide variant.
Coding change: c.1822G>A on transcript NM_015102.5 (MANE Select); coding-DNA position 1822, G replaced by A.
Protein change: p.Glu608Lys; replaces glutamic acid 608 with lysine.
Molecular consequence: missense variant. On other transcripts: non-coding transcript variant (1).
Genome position (GRCh38, 1-based): chr1:5,905,425, C>T on the plus strand (G>A on the coding strand, the complement: NPHP4 is on the minus strand). VCF-style: chr1-5905425-C-T. GRCh37 (hg19) VCF-style: chr1-5965485-C-T.
Other names: c.1822G>A (NM_015102.3); c.283G>A, p.Glu95Lys (NM_001291593.2); c.286G>A, p.Glu96Lys (NM_001291594.2); short protein forms E608K, E96K, E95K.
Identifiers: ClinVar variation 1467250 (VCV001467250.6), dbSNP rs780231735, ClinGen allele CA554353.

ClinVar aggregate classification (germline): Uncertain significance. Review status: criteria provided, multiple submitters, no conflicts (2 of 4 stars). 3 submissions from 3 submitters: Uncertain significance (3). Last evaluated 2025-09-28.

Conditions:
Inborn genetic diseases. Identifiers: MedGen C0950123, MeSH D030342.
Nephronophthisis. Also called: Juvenile Nephronophthisis. Identifiers: Orphanet 655, MedGen C0687120, MONDO:0019005, HP:0000090.
Senior-Loken syndrome 4 (SLSN4). Identifiers: Orphanet 3156, MedGen C1846979, MONDO:0011756, OMIM 606996.
Nephronophthisis 4 (NPHP4). Also called: NEPHRONOPHTHISIS 4, JUVENILE. Identifiers: Orphanet 655, MedGen C1847013, MONDO:0011752, OMIM 606966.

Allele frequency attached by ClinVar (database versions not stated): gnomAD exomes 0.00003 and 0.00006; ExAC 0.00004; gnomAD 0.00004; TOPMed 0.00005.
gnomAD v4.1: 57 of 1,612,204 alleles (0.0035%); highest among the groups gnomAD compares: Middle Eastern, 0.016%; no homozygotes.

Submissions (3):

Ambry Genetics
Classification: Uncertain significance for Inborn genetic diseases. Last evaluated: 2025-09-28. Review status: criteria provided, single submitter. Criteria: Ambry Variant Classification Scheme 2023. Collection method: clinical testing. Allele origin: germline.

Labcorp Genetics (formerly Invitae), Labcorp
Classification: Uncertain significance for Nephronophthisis. Last evaluated: 2023-12-11. Review status: criteria provided, single submitter. Criteria: Invitae Variant Classification Sherloc (09022015). Collection method: clinical testing. Allele origin: germline.
Comment: This sequence change replaces glutamic acid, which is acidic and polar, with lysine, which is basic and polar, at codon 608 of the NPHP4 protein (p.Glu608Lys). This variant is present in population databases (rs780231735, gnomAD 0.1%). This variant has not been reported in the literature in individuals affected with NPHP4-related conditions. ClinVar contains an entry for this variant (Variation ID: 1467250). Advanced modeling of protein sequence and biophysical properties (such as structural, functional, and spatial information, amino acid conservation, physicochemical variation, residue mobility, and thermodynamic stability) performed at Invitae indicates that this missense variant is expected to disrupt NPHP4 protein function with a positive predictive value of 80%. In summary, the available evidence is currently insufficient to determine the role of this variant in disease. Therefore, it has been classified as a Variant of Uncertain Significance.

Fulgent Genetics
Classification: Uncertain significance for Nephronophthisis 4; Senior-Loken syndrome 4. Last evaluated: 2021-11-05. Review status: criteria provided, single submitter. Criteria: ACMG Guidelines, 2015. Collection method: clinical testing. Allele origin: unknown.